The following is an entry in ClinVar:

ClinVar aggregate classification (germline): Conflicting classifications of pathogenicity. Review status: criteria provided, conflicting classifications (1 of 4 stars). 2 submissions from 2 submitters: Uncertain significance (1); Likely benign (1). Last evaluated 2024-03-25.

Conditions:
Inborn genetic diseases. Identifiers: MedGen C0950123, MeSH D030342.

Allele frequency attached by ClinVar (database versions not stated): gnomAD exomes 0.00001; ExAC 0.00002; gnomAD 0.00002; TOPMed 0.00002.

Submissions (2):

Ambry Genetics
Classification: Likely benign for Inborn genetic diseases. Last evaluated: 2024-03-25. Review status: criteria provided, single submitter. Criteria: Ambry Variant Classification Scheme 2023. Collection method: clinical testing. Allele origin: germline.

Labcorp Genetics (formerly Invitae), Labcorp
Classification: Uncertain significance. Last evaluated: 2023-06-13. Review status: criteria provided, single submitter. Criteria: Invitae Variant Classification Sherloc (09022015). Collection method: clinical testing. Allele origin: germline.
Comment: In summary, the available evidence is currently insufficient to determine the role of this variant in disease. Therefore, it has been classified as a Variant of Uncertain Significance. Algorithms developed to predict the effect of missense changes on protein structure and function output the following: SIFT: "Not Available"; PolyPhen-2: "Benign"; Align-GVGD: "Not Available". The threonine amino acid residue is found in multiple mammalian species, which suggests that this missense change does not adversely affect protein function. ClinVar contains an entry for this variant (Variation ID: 1007695). This variant has not been reported in the literature in individuals affected with MPDZ-related conditions. The frequency data for this variant in the population databases is considered unreliable, as metrics indicate poor data quality at this position in the gnomAD database. This sequence change replaces isoleucine, which is neutral and non-polar, with threonine, which is neutral and polar, at codon 886 of the MPDZ protein (p.Ile886Thr).

NM_001378778.1(MPDZ):c.2657T>C (p.Ile886Thr)

Gene: MPDZ (multiple PDZ domain crumbs cell polarity complex component; minus strand). Cytogenetic location: 9p23.
Variant type: single nucleotide variant.
Coding change: c.2657T>C on transcript NM_001378778.1 (MANE Select); coding-DNA position 2657, T replaced by C.
Protein change: p.Ile886Thr; replaces isoleucine 886 with threonine.
Molecular consequence: missense variant.
Genome position (GRCh38, 1-based): chr9:13,176,410, A>G on the plus strand (T>C on the coding strand, the complement: MPDZ is on the minus strand). VCF-style: chr9-13176410-A-G. GRCh37 (hg19) VCF-style: chr9-13176409-A-G.
Other names: c.2657T>C, p.Ile886Thr (NM_001261406.2, NM_001261407.2, NM_001330637.2 and 14 more transcripts); c.2657T>C (NM_003829.3); short protein forms I886T.
Identifiers: ClinVar variation 1007695 (VCV001007695.9), dbSNP rs753794696, ClinGen allele CA4987387.